The following is an entry in ClinVar:

ClinVar aggregate classification (germline): Likely pathogenic (1 of 4 stars; one submission).

Conditions:
Rauch-Steindl syndrome (RAUST). Identifiers: Orphanet 659642, MedGen C5562061, MONDO:0859219, OMIM 619695.

Submission:

3billion
Classification: Likely pathogenic for Rauch-Steindl syndrome. Last evaluated: 2024-10-14. Review status: criteria provided, single submitter. Criteria: ACMG Guidelines, 2015. Collection method: clinical testing. Allele origin: germline. Affected: yes.
Comment: The variant is not observed in the gnomAD v4.1.0 dataset. Predicted Consequence/Location: Canonical splice site: predicted to alter splicing and result in a loss or disruption of normal protein function. Multiple pathogenic loss-of-function variants are reported downstream of the variant. In silico tools predict the variant to alter splicing and produce an abnormal transcript [SpliceAI: 1.00 (spliceogenicity >=0.2, non-spliceogenicity <0.1)]. Therefore, this variant is classified as Likely pathogenic according to the recommendation of ACMG/AMP guideline.

NM_001042424.3(NSD2):c.3515-2A>C

Gene: NSD2 (nuclear receptor binding SET domain protein 2; plus strand). Cytogenetic location: 4p16.3.
Variant type: single nucleotide variant.
Coding change: c.3515-2A>C on transcript NM_001042424.3 (MANE Select); the canonical splice acceptor site of the intron before coding-DNA position 3515, A replaced by C.
Molecular consequence: splice acceptor variant.
Genome position (GRCh38, 1-based): chr4:1,975,292, A>C. VCF-style: chr4-1975292-A-C. GRCh37 (hg19) VCF-style: chr4-1977019-A-C.
Other names: c.3515-2A>C (NM_001440892.1, NM_133330.3, NM_133331.3 and 1 more transcripts); c.3614-2A>C (NM_001440893.1); c.2546-2A>C (NM_001440900.1, NM_001440899.1); c.3398-2A>C (NM_001440894.1); c.3368-2A>C (NM_001440895.1); c.3314-2A>C (NM_001440896.1); c.3308-2A>C (NM_001440897.1); c.3191-2A>C (NM_001440898.1).
Identifiers: ClinVar variation 4292556 (VCV004292556.1).
Genomic context (GRCh38, chr4:1,975,292, plus strand): 5'-CCTTAGCTTTTGAAGAGAAAGGCAGGTGTTTCCAATTTGGTGTCTGTCTCCTCTTCTCCC[A>C]GGGACGGAGCTGACTTTTAACTACAACCTCGATTGTCTGGGCAATGAAAAAACGGTCTGC-3'